The following is an entry in ClinVar:

NM_015404.4(WHRN):c.1577G>T (p.Gly526Val)

Gene: WHRN (whirlin; minus strand). Cytogenetic location: 9q32.
Variant type: single nucleotide variant.
Coding change: c.1577G>T on transcript NM_015404.4 (MANE Select); coding-DNA position 1577, G replaced by T.
Protein change: p.Gly526Val; replaces glycine 526 with valine.
Molecular consequence: missense variant.
Genome position (GRCh38, 1-based): chr9:114,423,363, C>A on the plus strand (G>T on the coding strand, the complement: WHRN is on the minus strand). VCF-style: chr9-114423363-C-A. GRCh37 (hg19) VCF-style: chr9-117185643-C-A.
Other names: c.428G>T, p.Gly143Val (NM_001083885.3); c.1577G>T, p.Gly526Val (NM_001173425.2); c.524G>T, p.Gly175Val (NM_001346890.1); short protein forms G143V, G175V, G526V.
Identifiers: ClinVar variation 1717386 (VCV001717386.4), dbSNP rs2491759237, ClinGen allele CA374606991.
Genomic context (GRCh38, chr9:114,423,363, plus strand): 5'-AAGAAGCTCACCCTGGCCGAGCTGACGGTGGTGGAGGTGCCGTGGCTGCCTGTGGATGAA[C>A]CCGTGTCACTGTAGGAGACCATGGAGTAGGTGTCCCCAGCCCCGGGGCCTGGGGGCTGCC-3'
Protein context (NP_056219.3, residues 516-536): TYSMVSYSDT[Gly526Val]SSTGSHGTST

ClinVar aggregate classification (germline): Uncertain significance (1 of 4 stars; one submission).

Submission:

Labcorp Genetics (formerly Invitae), Labcorp
Classification: Uncertain significance. Last evaluated: 2022-08-21. Review status: criteria provided, single submitter. Criteria: Invitae Variant Classification Sherloc (09022015). Collection method: clinical testing. Allele origin: germline.
Comment: In summary, the available evidence is currently insufficient to determine the role of this variant in disease. Therefore, it has been classified as a Variant of Uncertain Significance. Algorithms developed to predict the effect of missense changes on protein structure and function (SIFT, PolyPhen-2, Align-GVGD) all suggest that this variant is likely to be tolerated. This variant has not been reported in the literature in individuals affected with WHRN-related conditions. This variant is not present in population databases (gnomAD no frequency). This sequence change replaces glycine, which is neutral and non-polar, with valine, which is neutral and non-polar, at codon 526 of the WHRN protein (p.Gly526Val).